The following is an entry in ClinVar:

NM_020971.3(SPTBN4):c.2806C>T (p.Arg936Cys)

Gene: SPTBN4 (spectrin beta, non-erythrocytic 4; plus strand). Cytogenetic location: 19q13.2.
Variant type: single nucleotide variant.
Coding change: c.2806C>T on transcript NM_020971.3 (MANE Select); coding-DNA position 2806, C replaced by T.
Protein change: p.Arg936Cys; replaces arginine 936 with cysteine.
Molecular consequence: missense variant.
Genome position (GRCh38, 1-based): chr19:40,515,351, C>T. VCF-style: chr19-40515351-C-T. GRCh37 (hg19) VCF-style: chr19-41021258-C-T.
Other names: short protein forms R936C.
Identifiers: ClinVar variation 2224367 (VCV002224367.3), dbSNP rs373335509, ClinGen allele CA9445916.

ClinVar aggregate classification (germline): Uncertain significance. Review status: criteria provided, multiple submitters, no conflicts (2 of 4 stars). 2 submissions from 2 submitters: Uncertain significance (2). Last evaluated 2023-11-10.

Conditions:
Inborn genetic diseases. Identifiers: MedGen C0950123, MeSH D030342.

Allele frequency attached by ClinVar (database versions not stated): gnomAD 0.00003; TOPMed 0.00005; ExAC 0.00007; ESP Exome Variant Server 0.00008; gnomAD exomes 0.00010.
gnomAD v4.1: 145 of 1,611,318 alleles (0.009%); highest among the groups gnomAD compares: Non-Finnish European, 0.011%; no homozygotes.

Submissions (2):

GeneDx
Classification: Uncertain significance. Last evaluated: 2023-11-10. Review status: criteria provided, single submitter. Criteria: GeneDx Variant Classification Process June 2021. Collection method: clinical testing. Allele origin: germline. Affected: yes.
Comment: Not observed at significant frequency in large population cohorts (gnomAD); In silico analysis supports that this missense variant has a deleterious effect on protein structure/function; Has not been previously published as pathogenic or benign to our knowledge

Ambry Genetics
Classification: Uncertain significance for Inborn genetic diseases. Last evaluated: 2022-07-07. Review status: criteria provided, single submitter. Criteria: Ambry Variant Classification Scheme 2023. Collection method: clinical testing. Allele origin: germline.